The following is an entry in ClinVar:

ClinVar aggregate classification (germline): Conflicting classifications of pathogenicity. Review status: criteria provided, conflicting classifications (1 of 4 stars). 5 submissions from 5 submitters: Uncertain significance (3); Likely benign (2). Last evaluated 2025-12-16.

Conditions:
Cardiovascular phenotype. Identifiers: MedGen CN230736.
Long QT syndrome (LQTS). Identifiers: MedGen C0023976, MeSH D008133, MONDO:0002442. Disease mechanism: loss of function. Inheritance: Various modes of inheritance.
Long QT syndrome 11 (LQT11). Identifiers: Orphanet 101016, Orphanet 768, MedGen C2678483, MONDO:0012738, OMIM 611820.

Allele frequency attached by ClinVar (database versions not stated): gnomAD 0.00003; ESP Exome Variant Server 0.00008; TOPMed 0.00008; ExAC 0.00010.
gnomAD v4.1: 202 of 1,613,792 alleles (0.013%); highest among the groups gnomAD compares: Admixed American, 0.03%; 2 homozygotes.

Submissions (6):

Labcorp Genetics (formerly Invitae), Labcorp
Classification: Uncertain significance for Long QT syndrome. Last evaluated: 2025-12-16. Review status: criteria provided, single submitter. Criteria: Invitae Variant Classification Sherloc (09022015). Collection method: clinical testing. Allele origin: germline.
Comment: This sequence change replaces histidine, which is basic and polar, with arginine, which is basic and polar, at codon 562 of the AKAP9 protein (p.His562Arg). This variant is present in population databases (rs145033147, gnomAD 0.03%). This variant has not been reported in the literature in individuals affected with AKAP9-related conditions. ClinVar contains an entry for this variant (Variation ID: 191383). An algorithm developed to predict the effect of missense changes on protein structure and function outputs the following: PolyPhen-2: "Benign". The arginine amino acid residue is found in multiple mammalian species, which suggests that this missense change does not adversely affect protein function. In summary, the available evidence is currently insufficient to determine the role of this variant in disease. Therefore, it has been classified as a Variant of Uncertain Significance.

Women's Health and Genetics/Laboratory Corporation of America, LabCorp
Classification: Likely benign. Last evaluated: 2025-05-16. Review status: criteria provided, single submitter. Criteria: LabCorp Variant Classification Summary - May 2015. Collection method: clinical testing. Allele origin: germline.
Comment: Variant summary: AKAP9 c.1685A>G (p.His562Arg) results in a non-conservative amino acid change in the encoded protein sequence. Algorithms developed to predict the effect of missense changes on protein structure and function are either unavailable or do not agree on the potential impact of this missense change. The variant allele was found at a frequency of 0.00011 in 250892 control chromosomes in the gnomAD database, including 1 homozygote. The observed variant frequency is approximately 32 fold of the estimated maximal expected allele frequency for a pathogenic variant in AKAP9 causing Long QT Syndrome phenotype (3.3e-06). To our knowledge, no occurrence of c.1685A>G in individuals affected with Long QT Syndrome and no experimental evidence demonstrating its impact on protein function have been reported. ClinVar contains an entry for this variant (Variation ID: 191383). Based on the evidence outlined above, the variant was classified as likely benign.

Ambry Genetics
Classification: Likely benign for Cardiovascular phenotype. Last evaluated: 2023-05-17. Review status: criteria provided, single submitter. Criteria: Ambry Variant Classification Scheme 2023. Collection method: clinical testing. Allele origin: germline.

Fulgent Genetics
Classification: Uncertain significance for Long QT syndrome 11. Last evaluated: 2021-08-10. Review status: criteria provided, single submitter. Criteria: ACMG Guidelines, 2015. Collection method: clinical testing. Allele origin: unknown.

Biesecker Lab/Clinical Genomics Section, National Institutes of Health
Classification: Uncertain significance. Last evaluated: 2013-06-24. Review status: criteria provided, single submitter. Criteria: Ng et al. (Circ Cardiovasc Genet. 2013). Collection method: research. Allele origin: unknown. Observed: 1 variant allele. Study: ClinSeq.
Comment: The study set was not selected for affection status in relation to any cancer. Pathogenicity categories were based on literature curation. See Pubmed ID:23861362 for details.

Medical sequencing

Dr. Peter K. Rogan Lab, Western University
No classification provided (evidence only). Condition: Cervical cancer. Review status: no classification provided. Collection method: in vitro. Allele origin: not applicable. Functional consequence: retained intron. Not counted in ClinVar's aggregate classification.

Literature cited by the submitters: PubMed 23861362 (cited by Ambry Genetics).

NM_005751.5(AKAP9):c.1685A>G (p.His562Arg)

Gene: AKAP9 (A-kinase anchoring protein 9; plus strand). Cytogenetic location: 7q21.2.
Variant type: single nucleotide variant.
Coding change: c.1685A>G on transcript NM_005751.5 (MANE Select); coding-DNA position 1685, A replaced by G.
Protein change: p.His562Arg; replaces histidine 562 with arginine.
Molecular consequence: missense variant.
Genome position (GRCh38, 1-based): chr7:92,001,602, A>G. VCF-style: chr7-92001602-A-G. GRCh37 (hg19) VCF-style: chr7-91630916-A-G.
Other names: c.1685A>G, p.His562Arg (NM_147185.3); short protein forms H562R.
Identifiers: ClinVar variation 191383 (VCV000191383.25), dbSNP rs145033147, ClinGen allele CA236473.